The following is an entry in ClinVar:

NM_002485.5(NBN):c.1406A>T (p.Asp469Val)

Gene: NBN (nibrin; minus strand). Cytogenetic location: 8q21.3.
Variant type: single nucleotide variant.
Coding change: c.1406A>T on transcript NM_002485.5 (MANE Select); coding-DNA position 1406, A replaced by T.
Protein change: p.Asp469Val; replaces aspartic acid 469 with valine.
Molecular consequence: missense variant.
Genome position (GRCh38, 1-based): chr8:89,953,683, T>A on the plus strand (A>T on the coding strand, the complement: NBN is on the minus strand). VCF-style: chr8-89953683-T-A. GRCh37 (hg19) VCF-style: chr8-90965911-T-A.
Other names: c.1160A>T, p.Asp387Val (NM_001024688.3); short protein forms D387V, D469V.
Identifiers: ClinVar variation 3403050 (VCV003403050.1).
Genomic context (GRCh38, chr8:89,953,683, plus strand): 5'-AGAGAACAAGACGTTTCTATTCTTGCTGATTTGCATGAAGACATTTCTTGATTTTCTTCA[T>A]CCCTTTCCCTTAGATTTAAAAAAAAAGAAGAAAACAAAACAAGAAAATGAACACAGCTAA-3'
Protein context (NP_002476.2, residues 459-479): FQPSTKKRER[Asp469Val]EENQEMSSCK

ClinVar aggregate classification (germline): Uncertain significance (1 of 4 stars; one submission).

Conditions:
Hereditary cancer-predisposing syndrome. Also called: Hereditary Cancer Syndrome; Tumor predisposition; Hereditary neoplastic syndrome; Neoplastic Syndromes, Hereditary. Identifiers: Orphanet 140162, MedGen C0027672, MeSH D009386, MONDO:0015356.

gnomAD v4.1: 1 of 1,608,720 alleles (0.000062%); highest among the groups gnomAD compares: Non-Finnish European, 0.000085%; no homozygotes.

Submission:

Ambry Genetics
Classification: Uncertain significance for Hereditary cancer-predisposing syndrome. Last evaluated: 2024-07-07. Review status: criteria provided, single submitter. Criteria: Ambry Variant Classification Scheme 2023. Collection method: clinical testing. Allele origin: germline.
Comment: The p.D469V variant (also known as c.1406A>T), located in coding exon 11 of the NBN gene, results from an A to T substitution at nucleotide position 1406. The aspartic acid at codon 469 is replaced by valine, an amino acid with highly dissimilar properties. This amino acid position is conserved. In addition, this alteration is predicted to be tolerated by in silico analysis. Based on the available evidence, the clinical significance of this variant remains unclear.